The following is an entry in ClinVar:

NM_006623.4(PHGDH):c.1583C>A (p.Ala528Asp)

Gene: PHGDH (phosphoglycerate dehydrogenase; plus strand). Cytogenetic location: 1p12.
Variant type: single nucleotide variant.
Coding change: c.1583C>A on transcript NM_006623.4 (MANE Select); coding-DNA position 1583, C replaced by A.
Protein change: p.Ala528Asp; replaces alanine 528 with aspartic acid.
Molecular consequence: missense variant.
Genome position (GRCh38, 1-based): chr1:119,744,021, C>A. VCF-style: chr1-119744021-C-A. GRCh37 (hg19) VCF-style: chr1-120286644-C-A.
Other names: short protein forms A528D.
Identifiers: ClinVar variation 2057302 (VCV002057302.1), dbSNP rs141408688, ClinGen allele CA1037490.

ClinVar aggregate classification (germline): Uncertain significance (1 of 4 stars; one submission).

Conditions:
PHGDH deficiency. Identifiers: Orphanet 79351, MedGen C1866174, MONDO:0011152, OMIM 601815.

gnomAD v4.1: 28 of 1,614,056 alleles (0.0017%); highest among the groups gnomAD compares: East Asian, 0.0045%; no homozygotes.

Submission:

Labcorp Genetics (formerly Invitae), Labcorp
Classification: Uncertain significance for PHGDH deficiency. Last evaluated: 2021-09-01. Review status: criteria provided, single submitter. Criteria: Invitae Variant Classification Sherloc (09022015). Collection method: clinical testing. Allele origin: germline.
Comment: This sequence change replaces alanine with aspartic acid at codon 528 of the PHGDH protein (p.Ala528Asp). The alanine residue is weakly conserved and there is a moderate physicochemical difference between alanine and aspartic acid. This variant is present in population databases (rs141408688, ExAC 0.004%). This variant has not been reported in the literature in individuals affected with PHGDH-related conditions. Algorithms developed to predict the effect of missense changes on protein structure and function are either unavailable or do not agree on the potential impact of this missense change (SIFT: "Deleterious"; PolyPhen-2: "Possibly Damaging"; Align-GVGD: "Class C0"). In summary, the available evidence is currently insufficient to determine the role of this variant in disease. Therefore, it has been classified as a Variant of Uncertain Significance.